The following is an entry in ClinVar:

NM_032217.5(ANKRD17):c.3926C>G (p.Ala1309Gly)

Gene: ANKRD17 (ankyrin repeat domain 17; minus strand). Cytogenetic location: 4q13.3.
Variant type: single nucleotide variant.
Coding change: c.3926C>G on transcript NM_032217.5 (MANE Select); coding-DNA position 3926, C replaced by G.
Protein change: p.Ala1309Gly; replaces alanine 1309 with glycine.
Molecular consequence: missense variant.
Genome position (GRCh38, 1-based): chr4:73,120,261, G>C on the plus strand (C>G on the coding strand, the complement: ANKRD17 is on the minus strand). VCF-style: chr4-73120261-G-C. GRCh37 (hg19) VCF-style: chr4-73985978-G-C.
Other names: c.3587C>G, p.Ala1196Gly (NM_001286771.3); c.3923C>G, p.Ala1308Gly (NM_015574.2); c.3173C>G, p.Ala1058Gly (NM_198889.3); c.3926C>G (NM_032217.3); short protein forms A1058G, A1196G, A1308G, A1309G.
Identifiers: ClinVar variation 4071610 (VCV004071610.2).
Genomic context (GRCh38, chr4:73,120,261, plus strand): 5'-TCTGCTGCTATGGTTAAAGCTGTATCTCTTGAGGAGGGAACTGGAGGGGCATTAACATCA[G>C]CACCTTTATCCAAAAGAACTCGGCCCACCTCCGCATATCCACCAGAGGCAGCTTCCATTA-3'
Protein context (NP_115593.3, residues 1299-1319): EVGRVLLDKG[Ala1309Gly]DVNAPPVPSS

ClinVar aggregate classification (germline): Uncertain significance. Review status: criteria provided, multiple submitters, no conflicts (2 of 4 stars). 2 submissions from 2 submitters: Uncertain significance (2). Last evaluated 2026-07-14.

Conditions:
Inborn genetic diseases. Identifiers: MedGen C0950123, MeSH D030342.

gnomAD v4.1: 1 of 1,613,902 alleles (0.000062%); highest among the groups gnomAD compares: African/African-American, 0.0013%; no homozygotes.

Submissions (2):

Ambry Genetics
Classification: Uncertain significance for Inborn genetic diseases. Last evaluated: 2026-07-14. Review status: criteria provided, single submitter. Criteria: Ambry Variant Classification Scheme 2023. Collection method: clinical testing. Allele origin: germline.

GeneDx
Classification: Uncertain significance. Last evaluated: 2025-01-25. Review status: criteria provided, single submitter. Criteria: GeneDx Variant Classification Process June 2021. Collection method: clinical testing. Allele origin: germline. Affected: yes.
Comment: Not observed at significant frequency in large population cohorts (gnomAD); In silico analysis supports that this missense variant has a deleterious effect on protein structure/function; Has not been previously published as pathogenic or benign to our knowledge